The following is an entry in ClinVar:

ClinVar aggregate classification (germline): Pathogenic. Review status: criteria provided, multiple submitters, no conflicts (2 of 4 stars). 3 submissions from 3 submitters: Pathogenic (3). Last evaluated 2026-05-21.

Conditions:
Malan overgrowth syndrome (MALNS). Also called: Sotos syndrome 2; NFIX-Related Malan Syndrome; MALAN SYNDROME. Identifiers: Orphanet 420179, MedGen C3553660, MONDO:0013885, OMIM 614753.
Inborn genetic diseases. Identifiers: MedGen C0950123, MeSH D030342.

Submissions (3):

Ambry Genetics
Classification: Pathogenic for Inborn genetic diseases. Last evaluated: 2026-05-21. Review status: criteria provided, single submitter. Criteria: Ambry Variant Classification Scheme 2023. Collection method: clinical testing. Allele origin: germline.
Comment: The c.382C>T (p.R128W) alteration is located in exon 2 (coding exon 2) of the NFIX gene. This alteration results from a C to T substitution at nucleotide position 382, causing the arginine (R) at amino acid position 128 to be replaced by a tryptophan (W). for Malan overgrowth syndrome; however, its clinical significance for Marshall-Smith syndrome is uncertain. This variant was not reported in population-based cohorts in the Genome Aggregation Database (gnomAD). Note: manually cite this during reporting! National Center for Biotechnology Information. ClinVar; [VCV003342856.6], (accessed May 21, 2026). This variant was reported in individual(s) with features consistent with Malan overgrowth syndrome; in at least one individual, it was determined to be de novo (Macchiaiolo, 2022; NCBI ClinVar 2026; external communication). Other variant(s) at the same codon, c.383G>A (p.R128Q), have been identified in individual(s) with features consistent with Malan overgrowth syndrome (Priolo, 2018; external communication). This amino acid position is highly conserved in available vertebrate species. This missense variant is located in a region that has a low rate of benign missense variation (Lek, 2016; Firth, 2009). This alteration is predicted to be deleterious by in silico analysis. Based on the available evidence, this alteration is classified as pathogenic.

Institute of Human Genetics Munich, TUM University Hospital
Classification: Pathogenic for Malan overgrowth syndrome. Last evaluated: 2024-12-17. Review status: criteria provided, single submitter. Criteria: Classification criteria August 2017. Collection method: clinical testing. Allele origin: de novo. Inheritance: Autosomal dominant inheritance. Affected: yes. Observed: 1 variant allele.

GeneDx
Classification: Pathogenic. Last evaluated: 2023-08-10. Review status: criteria provided, single submitter. Criteria: GeneDx Variant Classification Process June 2021. Collection method: clinical testing. Allele origin: germline. Affected: yes.
Comment: In silico analysis supports that this missense variant has a deleterious effect on protein structure/function; Not observed at significant frequency in large population cohorts (gnomAD); This variant is associated with the following publications: (PMID: 22982744, 35717370)

Literature cited by the submitters: PubMed 3571737 (cited by Ambry Genetics); PubMed 29897170 (cited by Ambry Genetics); PubMed 35717370 (cited by Ambry Genetics).

NM_001365902.3(NFIX):c.382C>T (p.Arg128Trp)

Gene: NFIX (nuclear factor I X; plus strand). Cytogenetic location: 19p13.13.
Variant type: single nucleotide variant.
Coding change: c.382C>T on transcript NM_001365902.3 (MANE Select); coding-DNA position 382, C replaced by T.
Protein change: p.Arg128Trp; replaces arginine 128 with tryptophan.
Molecular consequence: missense variant.
Genome position (GRCh38, 1-based): chr19:13,025,375, C>T. VCF-style: chr19-13025375-C-T. GRCh37 (hg19) VCF-style: chr19-13136189-C-T.
Other names: c.406C>T, p.Arg136Trp (NM_001271043.2); c.358C>T, p.Arg120Trp (NM_001271044.3, NM_001378404.1); c.382C>T, p.Arg128Trp (NM_001365982.2, NM_002501.4); c.241C>T, p.Arg81Trp (NM_001365983.2); c.379C>T, p.Arg127Trp (NM_001365984.2, NM_001365985.2); c.430C>T, p.Arg144Trp (NM_001378405.1); c.382C>T (NM_002501.2); short protein forms R120W, R127W, R128W, R136W, R144W, R81W.
Identifiers: ClinVar variation 3342856 (VCV003342856.7).